The following is an entry in ClinVar:

ClinVar aggregate classification (germline): Likely benign. Review status: criteria provided, multiple submitters, no conflicts (2 of 4 stars). 3 submissions from 3 submitters: Likely benign (3). Last evaluated 2025-02-20.

Conditions:
Cardiovascular phenotype. Identifiers: MedGen CN230736.
Dilated cardiomyopathy 1W (CMD1W). Identifiers: Orphanet 154, MedGen C1969639, MONDO:0012667, OMIM 611407.

Allele frequency attached by ClinVar (database versions not stated): gnomAD 0.00001; gnomAD exomes 0.00001; TOPMed 0.00001.
gnomAD v4.1: 23 of 1,613,930 alleles (0.0014%); highest among the groups gnomAD compares: Non-Finnish European, 0.0019%; no homozygotes.

Submissions (3):

Labcorp Genetics (formerly Invitae), Labcorp
Classification: Likely benign for Dilated cardiomyopathy 1W. Last evaluated: 2025-02-20. Review status: criteria provided, single submitter. Criteria: Invitae Variant Classification Sherloc (09022015). Collection method: clinical testing. Allele origin: germline.

Mayo Clinic Laboratories, Mayo Clinic
Classification: Likely benign. Last evaluated: 2025-02-18. Review status: criteria provided, single submitter. Criteria: ACMG Guidelines, 2015. Collection method: clinical testing. Allele origin: germline. Observed: 1 variant allele.
Comment: BP4, BP7

Ambry Genetics
Classification: Likely benign for Cardiovascular phenotype. Last evaluated: 2023-07-10. Review status: criteria provided, single submitter. Criteria: Ambry Variant Classification Scheme 2023. Collection method: clinical testing. Allele origin: germline.

NM_014000.3(VCL):c.1767G>A (p.Glu589=)

Gene: VCL (vinculin; plus strand). Cytogenetic location: 10q22.2.
Variant type: single nucleotide variant.
Coding change: c.1767G>A on transcript NM_014000.3 (MANE Select); coding-DNA position 1767, G replaced by A.
Protein change: p.Glu589=; no amino-acid change (glutamic acid 589 retained).
Molecular consequence: synonymous variant.
Genome position (GRCh38, 1-based): chr10:74,097,227, G>A. VCF-style: chr10-74097227-G-A. GRCh37 (hg19) VCF-style: chr10-75856985-G-A.
Other names: p.Glu589=; c.1767G>A, p.Glu589= (NM_003373.4).
Identifiers: ClinVar variation 240878 (VCV000240878.12), dbSNP rs878854971, ClinGen allele CA10582736.